The following is an entry in ClinVar:

NM_006393.3(NEBL):c.1130A>G (p.Glu377Gly)

Gene: NEBL (nebulette; minus strand). Cytogenetic location: 10p12.31.
Variant type: single nucleotide variant.
Coding change: c.1130A>G on transcript NM_006393.3 (MANE Select); coding-DNA position 1130, A replaced by G.
Protein change: p.Glu377Gly; replaces glutamic acid 377 with glycine.
Molecular consequence: missense variant. On other transcripts: intron variant (9).
Genome position (GRCh38, 1-based): chr10:20,845,355, T>C on the plus strand (A>G on the coding strand, the complement: NEBL is on the minus strand). VCF-style: chr10-20845355-T-C. GRCh37 (hg19) VCF-style: chr10-21134284-T-C.
Other names: c.250-32415A>G (NM_001377326.1, NM_001377327.1, NM_001377328.1); c.358-32415A>G (NM_213569.2, NM_001173484.2, NM_001377322.1); c.301-32415A>G (NM_001377324.1); c.292-32415A>G (NM_001377325.1); c.310-32415A>G (NM_001377323.1); c.1130A>G (NM_006393.2); short protein forms E377G.
Identifiers: ClinVar variation 1021748 (VCV001021748.11), dbSNP rs373129570, ClinGen allele CA5432963.

ClinVar aggregate classification (germline): Uncertain significance. Review status: criteria provided, multiple submitters, no conflicts (2 of 4 stars). 2 submissions from 2 submitters: Uncertain significance (2). Last evaluated 2025-09-23.

Conditions:
Primary dilated cardiomyopathy (DCM). Also called: Dilated Cardiomyopathy. Identifiers: Orphanet 217604, MedGen C0007193, MeSH D002311, MONDO:0005021, HP:0001644. Inheritance: Various modes of inheritance.

Allele frequency attached by ClinVar (database versions not stated): TOPMed 0.00003; ESP Exome Variant Server 0.00008; gnomAD exomes below 0.00001; ExAC 0.00001; gnomAD 0.00001.
gnomAD v4.1: 6 of 1,587,374 alleles (0.00038%); highest among the groups gnomAD compares: African/African-American, 0.0067%; no homozygotes.

Submissions (2):

Labcorp Genetics (formerly Invitae), Labcorp
Classification: Uncertain significance for Primary dilated cardiomyopathy. Last evaluated: 2025-09-23. Review status: criteria provided, single submitter. Criteria: Invitae Variant Classification Sherloc (09022015). Collection method: clinical testing. Allele origin: germline.
Comment: This sequence change replaces glutamic acid, which is acidic and polar, with glycine, which is neutral and non-polar, at codon 377 of the NEBL protein (p.Glu377Gly). This variant is not present in population databases (gnomAD no frequency). This variant has not been reported in the literature in individuals affected with NEBL-related conditions. ClinVar contains an entry for this variant (Variation ID: 1021748). An algorithm developed to predict the effect of missense changes on protein structure and function (PolyPhen-2) suggests that this variant is likely to be tolerated. In summary, the available evidence is currently insufficient to determine the role of this variant in disease. Therefore, it has been classified as a Variant of Uncertain Significance.

Ambry Genetics
Classification: Uncertain significance. Last evaluated: 2023-05-07. Review status: criteria provided, single submitter. Criteria: Ambry Variant Classification Scheme 2023. Collection method: clinical testing. Allele origin: germline.
Comment: The p.E377G variant (also known as c.1130A>G), located in coding exon 12 of the NEBL gene, results from an A to G substitution at nucleotide position 1130. The glutamic acid at codon 377 is replaced by glycine, an amino acid with similar properties. This amino acid position is conserved. In addition, this alteration is predicted to be tolerated by in silico analysis. Since supporting evidence is limited at this time, the clinical significance of this alteration remains unclear.